The following is an entry in ClinVar:

ClinVar aggregate classification (germline): Uncertain significance (1 of 4 stars; one submission).

Submission:

GeneDx
Classification: Uncertain significance. Last evaluated: 2026-03-07. Review status: criteria provided, single submitter. Criteria: GeneDx Variant Classification Process June 2021. Collection method: clinical testing. Allele origin: germline.
Comment: Not observed at significant frequency in large population cohorts (gnomAD); In silico analysis supports that this missense variant has a deleterious effect on protein structure/function; Has not been previously published as pathogenic or benign to our knowledge

NM_005982.4(SIX1):c.371G>T (p.Gly124Val)

Gene: SIX1 (SIX homeobox 1; minus strand). Cytogenetic location: 14q23.1.
Variant type: single nucleotide variant.
Coding change: c.371G>T on transcript NM_005982.4 (MANE Select); coding-DNA position 371, G replaced by T.
Protein change: p.Gly124Val; replaces glycine 124 with valine.
Molecular consequence: missense variant.
Genome position (GRCh38, 1-based): chr14:60,648,819, C>A on the plus strand (G>T on the coding strand, the complement: SIX1 is on the minus strand). VCF-style: chr14-60648819-C-A. GRCh37 (hg19) VCF-style: chr14-61115537-C-A.
Other names: c.371G>T, p.Gly124Val (NM_001425142.1); short protein forms G124V.
Identifiers: ClinVar variation 4888086 (VCV004888086.1).